The following is an entry in ClinVar:

ClinVar aggregate classification (germline): Likely benign. Review status: criteria provided, multiple submitters, no conflicts (2 of 4 stars). 3 submissions from 3 submitters: Likely benign (2). 1 of the submissions does not count toward it. Last evaluated 2024-10-10.

Conditions:
GAS2L2-related disorder. Also called: GAS2L2-related condition.

Allele frequency attached by ClinVar (database versions not stated): gnomAD exomes 0.00022; ExAC 0.00039; 1000 Genomes Project 0.00060; gnomAD 0.00090; ESP Exome Variant Server 0.00092; TOPMed 0.00107; 1000 Genomes Project 30x 0.00125.
gnomAD v4.1: 434 of 1,477,972 alleles (0.029%); highest among the groups gnomAD compares: African/African-American, 0.28%; 1 homozygote.

Submissions (3):

Blueprint Genetics
Classification: Likely benign. Last evaluated: 2024-10-10. Review status: criteria provided, single submitter. Criteria: ACMG Guidelines, 2015. Collection method: clinical testing. Allele origin: germline.

Ambry Genetics
Classification: Likely benign. Last evaluated: 2021-08-13. Review status: criteria provided, single submitter. Criteria: Ambry Variant Classification Scheme 2023. Collection method: clinical testing. Allele origin: germline.

PreventionGenetics, part of Exact Sciences
Classification: Likely benign for GAS2L2-related condition. Last evaluated: 2023-08-15. Review status: no assertion criteria provided. Collection method: clinical testing. Allele origin: germline. Not counted in ClinVar's aggregate classification.
Comment: This variant is classified as likely benign based on ACMG/AMP sequence variant interpretation guidelines (Richards et al. 2015 PMID: 25741868, with internal and published modifications).

NM_139285.4(GAS2L2):c.1297G>A (p.Gly433Arg)

Gene: GAS2L2 (growth arrest specific 2 like 2; minus strand). Cytogenetic location: 17q12.
Variant type: single nucleotide variant.
Coding change: c.1297G>A on transcript NM_139285.4 (MANE Select); coding-DNA position 1297, G replaced by A.
Protein change: p.Gly433Arg; replaces glycine 433 with arginine.
Molecular consequence: missense variant.
Genome position (GRCh38, 1-based): chr17:35,746,200, C>T on the plus strand (G>A on the coding strand, the complement: GAS2L2 is on the minus strand). VCF-style: chr17-35746200-C-T. GRCh37 (hg19) VCF-style: chr17-34073219-C-T.
Other names: short protein forms G433R.
Identifiers: ClinVar variation 2215452 (VCV002215452.5), dbSNP rs115955572, ClinGen allele CA8506100.